The following is an entry in ClinVar:

NM_001172560.3(SSTR5):c.33C>T (p.Ser11=)

Gene: SSTR5 (somatostatin receptor 5; plus strand). Cytogenetic location: 16p13.3.
Variant type: single nucleotide variant.
Coding change: c.33C>T on transcript NM_001172560.3 (MANE Select); coding-DNA position 33, C replaced by T.
Protein change: p.Ser11=; no amino-acid change (serine 11 retained).
Molecular consequence: synonymous variant.
Genome position (GRCh38, 1-based): chr16:1,078,901, C>T. VCF-style: chr16-1078901-C-T. GRCh37 (hg19) VCF-style: chr16-1128901-C-T.
Other names: c.33C>T, p.Ser11= (NM_001053.4).
Identifiers: ClinVar variation 733020 (VCV000733020.5), dbSNP rs35128939, ClinGen allele CA7798601.

ClinVar aggregate classification (germline): Benign. Review status: criteria provided, single submitter (1 of 4 stars). 2 submissions from 2 submitters: Benign (1). 1 of the submissions does not count toward it. Last evaluated 2018-05-15.

Conditions:
SSTR5-related disorder. Also called: SSTR5-related condition.

Allele frequency attached by ClinVar (database versions not stated): gnomAD exomes 0.00030 and 0.00076; ExAC 0.00111; 1000 Genomes Project 30x 0.00328; gnomAD 0.00328 and 0.00350; 1000 Genomes Project 0.00339; ESP Exome Variant Server 0.00344; TOPMed 0.00372.

Submissions (2):

Labcorp Genetics (formerly Invitae), Labcorp
Classification: Benign. Last evaluated: 2018-05-15. Review status: criteria provided, single submitter. Criteria: Invitae Variant Classification Sherloc (09022015). Collection method: clinical testing. Allele origin: germline.

PreventionGenetics, part of Exact Sciences
Classification: Benign for SSTR5-related condition. Last evaluated: 2019-07-12. Review status: no assertion criteria provided. Collection method: clinical testing. Allele origin: germline. Not counted in ClinVar's aggregate classification.
Comment: This variant is classified as benign based on ACMG/AMP sequence variant interpretation guidelines (Richards et al. 2015 PMID: 25741868, with internal and published modifications).